The following is an entry in ClinVar:

ClinVar aggregate classification (germline): Uncertain significance. Review status: criteria provided, multiple submitters, no conflicts (2 of 4 stars). 2 submissions from 2 submitters: Uncertain significance (2). Last evaluated 2026-01-05.

Conditions:
Hereditary cancer-predisposing syndrome. Also called: Neoplastic Syndromes, Hereditary; Hereditary Cancer Syndrome; Hereditary neoplastic syndrome; Tumor predisposition. Identifiers: Orphanet 140162, MedGen C0027672, MeSH D009386, MONDO:0015356.
EGFR-related lung cancer (EGFR). Identifiers: MedGen CN130014.

Allele frequency attached by ClinVar (database versions not stated): TOPMed 0.00001; ESP Exome Variant Server 0.00008.
gnomAD v4.1: 7 of 1,613,082 alleles (0.00043%); highest among the groups gnomAD compares: Admixed American, 0.0017%; no homozygotes.

Submissions (2):

Labcorp Genetics (formerly Invitae), Labcorp
Classification: Uncertain significance for EGFR-related lung cancer. Last evaluated: 2026-01-05. Review status: criteria provided, single submitter. Criteria: Invitae Variant Classification Sherloc (09022015). Collection method: clinical testing. Allele origin: germline.
Comment: This sequence change replaces arginine, which is basic and polar, with glutamine, which is neutral and polar, at codon 1068 of the EGFR protein (p.Arg1068Gln). The frequency data for this variant in the population databases is considered unreliable, as metrics indicate poor data quality at this position in the gnomAD database. This variant has not been reported in the literature in individuals affected with EGFR-related conditions. ClinVar contains an entry for this variant (Variation ID: 1059299). An algorithm developed to predict the effect of missense changes on protein structure and function (PolyPhen-2) suggests that this variant is likely to be tolerated. In summary, the available evidence is currently insufficient to determine the role of this variant in disease. Therefore, it has been classified as a Variant of Uncertain Significance.

Ambry Genetics
Classification: Uncertain significance for Hereditary cancer-predisposing syndrome. Last evaluated: 2025-06-27. Review status: criteria provided, single submitter. Criteria: Ambry Variant Classification Scheme 2023. Collection method: clinical testing. Allele origin: germline.
Comment: The p.R1068Q variant (also known as c.3203G>A), located in coding exon 27 of the EGFR gene, results from a G to A substitution at nucleotide position 3203. The arginine at codon 1068 is replaced by glutamine, an amino acid with highly similar properties. This amino acid position is highly conserved in available vertebrate species. In addition, the in silico prediction for this alteration is inconclusive. Based on the available evidence, the clinical significance of this variant remains unclear.

NM_005228.5(EGFR):c.3203G>A (p.Arg1068Gln)

Gene: EGFR (epidermal growth factor receptor; plus strand). Cytogenetic location: 7p11.2.
Variant type: single nucleotide variant.
Coding change: c.3203G>A on transcript NM_005228.5 (MANE Select); coding-DNA position 3203, G replaced by A.
Protein change: p.Arg1068Gln; replaces arginine 1068 with glutamine.
Molecular consequence: missense variant.
Genome position (GRCh38, 1-based): chr7:55,202,557, G>A. VCF-style: chr7-55202557-G-A. GRCh37 (hg19) VCF-style: chr7-55270250-G-A.
Other names: c.3203G>A (NM_005228.3); c.3068G>A, p.Arg1023Gln (NM_001346897.2, NM_001346899.2); c.3203G>A, p.Arg1068Gln (NM_001346898.2); c.3044G>A, p.Arg1015Gln (NM_001346900.2); c.2402G>A, p.Arg801Gln (NM_001346941.2); short protein forms R1015Q, R1023Q, R1068Q, R801Q.
Identifiers: ClinVar variation 1059299 (VCV001059299.10), dbSNP rs374501041, ClinGen allele CA158938550.